The following is an entry in ClinVar:

ClinVar aggregate classification (germline): Conflicting classifications of pathogenicity. Review status: criteria provided, conflicting classifications (1 of 4 stars). 2 submissions from 2 submitters: Uncertain significance (1); Benign (1). Last evaluated 2026-03-30.

Conditions:
RAI1-related disorder. Also called: RAI1-related condition.

Submissions (2):

PreventionGenetics, part of Exact Sciences
Classification: Uncertain significance for RAI1-related condition. Last evaluated: 2026-03-30. Review status: criteria provided, single submitter. Criteria: ACMG Guidelines, 2015. Collection method: clinical testing. Allele origin: germline.
Comment: The RAI1 c.2869G>C variant is predicted to result in the amino acid substitution p.Asp957His. To our knowledge, this variant has not been reported in the literature or in a large population database (gnomAD), indicating this variant is rare. At this time, the clinical significance of this variant is uncertain due to the absence of conclusive functional and genetic evidence.

Labcorp Genetics (formerly Invitae), Labcorp
Classification: Benign. Last evaluated: 2024-05-09. Review status: criteria provided, single submitter. Criteria: Invitae Variant Classification Sherloc (09022015). Collection method: clinical testing. Allele origin: germline.

NM_030665.4(RAI1):c.2869G>C (p.Asp957His)

Gene: RAI1 (retinoic acid induced 1; plus strand). Cytogenetic location: 17p11.2.
Variant type: single nucleotide variant.
Coding change: c.2869G>C on transcript NM_030665.4 (MANE Select); coding-DNA position 2869, G replaced by C.
Protein change: p.Asp957His; replaces aspartic acid 957 with histidine.
Molecular consequence: missense variant.
Genome position (GRCh38, 1-based): chr17:17,795,817, G>C. VCF-style: chr17-17795817-G-C. GRCh37 (hg19) VCF-style: chr17-17699131-G-C.
Other names: c.2869G>C (NM_030665.3); short protein forms D957H.
Identifiers: ClinVar variation 2737797 (VCV002737797.4), dbSNP rs2508583896, ClinGen allele CA398552167.
Genomic context (GRCh38, chr17:17,795,817, plus strand): 5'-AAGGTCCAGAGCTGGTTTGAGTCCTCTCTGTCACACATGAAGCCAGGTGAAGAGGGGCCT[G>C]ATGGGGAGCGAGCTCCAGGGGATTCCACCACCTCGGACGCCTCTCTGGCCCAGAAGCCCA-3'
Protein context (NP_109590.3, residues 947-967): SHMKPGEEGP[Asp957His]GERAPGDSTT